The following is an entry in ClinVar:

NM_138576.4(BCL11B):c.1931_1958del (p.Asp644fs)

Gene: BCL11B (BCL11 transcription factor B; minus strand). Cytogenetic location: 14q32.2.
Variant type: Deletion.
Coding change: c.1931_1958del on transcript NM_138576.4 (MANE Select); coding-DNA positions 1931 to 1958, 28 bases deleted (ACGCGGGCGCGGGCGGCGCGGTCAACGG).
Protein change: p.Asp644fs; shifts the reading frame from aspartic acid 644.
Molecular consequence: frameshift variant.
Genome position (GRCh38, 1-based): chr14:99,174,878-99,174,905, CCGTTGACCGCGCCGCCCGCGCCCGCGT deleted on the plus strand (ACGCGGGCGCGGGCGGCGCGGTCAACGG on the coding strand, the reverse complement: BCL11B is on the minus strand); deleting any 28 consecutive bases within chr14:99,174,878-99,174,907 gives the same sequence; the c. name uses the placement nearest the transcript's 3' end. VCF-style (leftmost placement, unchanged base first): chr14-99174877-CCCGTTGACCGCGCCGCCCGCGCCCGCGT-C. GRCh37 (hg19) VCF-style: chr14-99641214-CCCGTTGACCGCGCCGCCCGCGCCCGCGT-C.
Other names: c.1928_1955del, p.Asp643fs (NM_001282237.2); c.1715_1742del, p.Asp572fs (NM_001282238.2); c.1718_1745del, p.Asp573fs (NM_022898.3); short protein forms D572fs, D643fs, D644fs, D573fs.
Identifiers: ClinVar variation 2113908 (VCV002113908.4), dbSNP rs2503640424, ClinGen allele CA2580089062.

ClinVar aggregate classification (germline): Uncertain significance (1 of 4 stars; one submission).

Submission:

Labcorp Genetics (formerly Invitae), Labcorp
Classification: Uncertain significance. Last evaluated: 2022-04-12. Review status: criteria provided, single submitter. Criteria: Invitae Variant Classification Sherloc (09022015). Collection method: clinical testing. Allele origin: germline.
Comment: In summary, the available evidence is currently insufficient to determine the role of this variant in disease. Therefore, it has been classified as a Variant of Uncertain Significance. Experimental studies and prediction algorithms are not available or were not evaluated, and the functional significance of this variant is currently unknown. This variant has not been reported in the literature in individuals affected with BCL11B-related conditions. The frequency data for this variant in the population databases is considered unreliable, as metrics indicate insufficient coverage at this position in the gnomAD database. This sequence change creates a premature translational stop signal (p.Asp644Glyfs*70) in the BCL11B gene. While this is not anticipated to result in nonsense mediated decay, it is expected to disrupt the last 251 amino acid(s) of the BCL11B protein.